The following is an entry in ClinVar:

NM_001015877.2(PHF6):c.271A>G (p.Thr91Ala)

Gene: PHF6 (PHD finger protein 6; plus strand). Cytogenetic location: Xq26.2.
Variant type: single nucleotide variant.
Coding change: c.271A>G on transcript NM_001015877.2 (MANE Select); coding-DNA position 271, A replaced by G.
Protein change: p.Thr91Ala; replaces threonine 91 with alanine.
Molecular consequence: missense variant.
Genome position (GRCh38, 1-based): chrX:134,393,531, A>G. VCF-style: chrX-134393531-A-G. GRCh37 (hg19) VCF-style: chrX-133527561-A-G.
Other names: c.271A>G, p.Thr91Ala (NM_032335.3, NM_032458.3); short protein forms T91A.
Identifiers: ClinVar variation 3650225 (VCV003650225.2).

ClinVar aggregate classification (germline): Uncertain significance (1 of 4 stars; one submission).

Conditions:
Borjeson-Forssman-Lehmann syndrome (BFLS). Also called: MENTAL RETARDATION, X-LINKED, SYNDROMIC, BORJESON-FORSSMAN-LEHMANN TYPE; MENTAL RETARDATION, EPILEPSY, AND ENDOCRINE DISORDERS; BORJESON SYNDROME. Identifiers: Orphanet 127, MedGen C0265339, MONDO:0010537, OMIM 301900.

Submission:

Labcorp Genetics (formerly Invitae), Labcorp
Classification: Uncertain significance for Borjeson-Forssman-Lehmann syndrome. Last evaluated: 2024-04-17. Review status: criteria provided, single submitter. Criteria: Invitae Variant Classification Sherloc (09022015). Collection method: clinical testing. Allele origin: germline.
Comment: This sequence change replaces threonine, which is neutral and polar, with alanine, which is neutral and non-polar, at codon 91 of the PHF6 protein (p.Thr91Ala). This variant is not present in population databases (gnomAD no frequency). This variant has not been reported in the literature in individuals affected with PHF6-related conditions. Advanced modeling of protein sequence and biophysical properties (such as structural, functional, and spatial information, amino acid conservation, physicochemical variation, residue mobility, and thermodynamic stability) performed at Invitae indicates that this missense variant is expected to disrupt PHF6 protein function with a positive predictive value of 80%. In summary, the available evidence is currently insufficient to determine the role of this variant in disease. Therefore, it has been classified as a Variant of Uncertain Significance.